The following is an entry in ClinVar:

NM_006245.4(PPP2R5D):c.1241C>T (p.Pro414Leu)

Gene: PPP2R5D (protein phosphatase 2 regulatory subunit B'delta; plus strand). Cytogenetic location: 6p21.1.
Variant type: single nucleotide variant.
Coding change: c.1241C>T on transcript NM_006245.4 (MANE Select); coding-DNA position 1241, C replaced by T.
Protein change: p.Pro414Leu; replaces proline 414 with leucine.
Molecular consequence: missense variant.
Genome position (GRCh38, 1-based): chr6:43,009,217, C>T. VCF-style: chr6-43009217-C-T. GRCh37 (hg19) VCF-style: chr6-42976955-C-T.
Other names: c.788C>T, p.Pro263Leu (NM_001270476.2); c.1145C>T, p.Pro382Leu (NM_180976.3); c.923C>T, p.Pro308Leu (NM_180977.3); short protein forms P263L, P382L, P414L, P308L.
Identifiers: ClinVar variation 4718041 (VCV004718041.1).

ClinVar aggregate classification (germline): Uncertain significance (1 of 4 stars; one submission).

Submission:

Labcorp Genetics (formerly Invitae), Labcorp
Classification: Uncertain significance. Last evaluated: 2025-04-21. Review status: criteria provided, single submitter. Criteria: Invitae Variant Classification Sherloc (09022015). Collection method: clinical testing. Allele origin: germline.
Comment: This sequence change replaces proline, which is neutral and non-polar, with leucine, which is neutral and non-polar, at codon 414 of the PPP2R5D protein (p.Pro414Leu). This variant is not present in population databases (gnomAD no frequency). This variant has not been reported in the literature in individuals affected with PPP2R5D-related conditions. An algorithm developed to predict the effect of missense changes on protein structure and function (PolyPhen-2) suggests that this variant is likely to be disruptive. In summary, the available evidence is currently insufficient to determine the role of this variant in disease. Therefore, it has been classified as a Variant of Uncertain Significance.